The following is an entry in ClinVar:

NM_001020658.2(PUM1):c.1991G>C (p.Gly664Ala)

Gene: PUM1 (pumilio RNA binding family member 1; minus strand). Cytogenetic location: 1p35.2.
Variant type: single nucleotide variant.
Coding change: c.1991G>C on transcript NM_001020658.2 (MANE Select); coding-DNA position 1991, G replaced by C.
Protein change: p.Gly664Ala; replaces glycine 664 with alanine.
Molecular consequence: missense variant.
Genome position (GRCh38, 1-based): chr1:30,966,077, C>G on the plus strand (G>C on the coding strand, the complement: PUM1 is on the minus strand). VCF-style: chr1-30966077-C-G. GRCh37 (hg19) VCF-style: chr1-31438924-C-G.
Other names: c.1991G>C, p.Gly664Ala (NM_014676.3); short protein forms G664A.
Identifiers: ClinVar variation 4756001 (VCV004756001.1).

ClinVar aggregate classification (germline): Uncertain significance (1 of 4 stars; one submission).

Submission:

GeneDx
Classification: Uncertain significance. Last evaluated: 2025-08-08. Review status: criteria provided, single submitter. Criteria: GeneDx Variant Classification Process June 2021. Collection method: clinical testing. Allele origin: germline. Affected: yes.
Comment: Not observed at significant frequency in large population cohorts (gnomAD); In silico analysis suggests that this missense variant does not alter protein structure/function; Has not been previously published as pathogenic or benign to our knowledge